The following is an entry in ClinVar:

ClinVar aggregate classification (germline): Uncertain significance (1 of 4 stars; one submission).

Allele frequency attached by ClinVar (database versions not stated): TOPMed below 0.00001; ExAC 0.00001.
gnomAD v4.1: 2 of 1,614,148 alleles (0.00012%); highest among the groups gnomAD compares: Admixed American, 0.0033%; no homozygotes.

Submission:

Labcorp Genetics (formerly Invitae), Labcorp
Classification: Uncertain significance. Last evaluated: 2025-06-17. Review status: criteria provided, single submitter. Criteria: Invitae Variant Classification Sherloc (09022015). Collection method: clinical testing. Allele origin: germline.
Comment: This sequence change replaces serine, which is neutral and polar, with threonine, which is neutral and polar, at codon 329 of the COL9A2 protein (p.Ser329Thr). This variant is not present in population databases (gnomAD no frequency). This variant has not been reported in the literature in individuals affected with COL9A2-related conditions. ClinVar contains an entry for this variant (Variation ID: 2976440). Invitae Evidence Modeling of protein sequence and biophysical properties (such as structural, functional, and spatial information, amino acid conservation, physicochemical variation, residue mobility, and thermodynamic stability) indicates that this missense variant is not expected to disrupt COL9A2 protein function with a negative predictive value of 95%. In summary, the available evidence is currently insufficient to determine the role of this variant in disease. Therefore, it has been classified as a Variant of Uncertain Significance.

NM_001852.4(COL9A2):c.986G>C (p.Ser329Thr)

Gene: COL9A2 (collagen type IX alpha 2 chain; minus strand). Cytogenetic location: 1p34.2.
Variant type: single nucleotide variant.
Coding change: c.986G>C on transcript NM_001852.4 (MANE Select); coding-DNA position 986, G replaced by C.
Protein change: p.Ser329Thr; replaces serine 329 with threonine.
Molecular consequence: missense variant.
Genome position (GRCh38, 1-based): chr1:40,307,468, C>G on the plus strand (G>C on the coding strand, the complement: COL9A2 is on the minus strand). VCF-style: chr1-40307468-C-G. GRCh37 (hg19) VCF-style: chr1-40773140-C-G.
Other names: short protein forms S329T.
Identifiers: ClinVar variation 2976440 (VCV002976440.3), dbSNP rs772935733, ClinGen allele CA791641.